The following is an entry in ClinVar:

ClinVar aggregate classification (germline): Uncertain significance (1 of 4 stars; one submission).

Submission:

Ambry Genetics
Classification: Uncertain significance. Last evaluated: 2022-05-24. Review status: criteria provided, single submitter. Criteria: Ambry Variant Classification Scheme 2023. Collection method: clinical testing. Allele origin: germline.
Comment: The p.S2073R variant (also known as c.6219T>A), located in coding exon 10 of the ALPK2 gene, results from a T to A substitution at nucleotide position 6219. The serine at codon 2073 is replaced by arginine, an amino acid with dissimilar properties. This amino acid position is conserved. In addition, this alteration is predicted to be tolerated by in silico analysis. Since supporting evidence is limited at this time, the clinical significance of this alteration remains unclear.

NM_052947.4(ALPK2):c.6219T>A (p.Ser2073Arg)

Gene: ALPK2 (alpha kinase 2; minus strand). Cytogenetic location: 18q21.31.
Variant type: single nucleotide variant.
Coding change: c.6219T>A on transcript NM_052947.4 (MANE Select); coding-DNA position 6219, T replaced by A.
Protein change: p.Ser2073Arg; replaces serine 2073 with arginine.
Molecular consequence: missense variant.
Genome position (GRCh38, 1-based): chr18:58,503,959, A>T on the plus strand (T>A on the coding strand, the complement: ALPK2 is on the minus strand). VCF-style: chr18-58503959-A-T. GRCh37 (hg19) VCF-style: chr18-56171191-A-T.
Other names: short protein forms S2073R.
Identifiers: ClinVar variation 1752247 (VCV001752247.2), dbSNP rs764544459, ClinGen allele CA402543172.